The following is an entry in ClinVar:

NM_022835.3(PLEKHG2):c.3541C>T (p.Leu1181Phe)

Gene: PLEKHG2 (pleckstrin homology and RhoGEF domain containing G2; plus strand). Cytogenetic location: 19q13.2.
Variant type: single nucleotide variant.
Coding change: c.3541C>T on transcript NM_022835.3 (MANE Select); coding-DNA position 3541, C replaced by T.
Protein change: p.Leu1181Phe; replaces leucine 1181 with phenylalanine.
Molecular consequence: missense variant. On other transcripts: intron variant (1).
Genome position (GRCh38, 1-based): chr19:39,424,674, C>T. VCF-style: chr19-39424674-C-T. GRCh37 (hg19) VCF-style: chr19-39915314-C-T.
Other names: c.3364C>T, p.Leu1122Phe (NM_001351693.2); c.1678-564C>T (NM_001351694.2); short protein forms L1122F, L1181F.
Identifiers: ClinVar variation 1918207 (VCV001918207.5), dbSNP rs2514461930, ClinGen allele CA405806978.
Genomic context (GRCh38, chr19:39,424,674, plus strand): 5'-CCAACTTCACCCAAGCAGGGAAGCCTCCCAGACATCCAGGGTCCAGCGGCTGCACCTCCA[C>T]TTCCGGAGCCAAGCCTTACAGATACACAGGTCCAAAAACTCACACCTTCGTTGGAGCAGA-3'
Protein context (NP_073746.2, residues 1171-1191): DIQGPAAAPP[Leu1181Phe]PEPSLTDTQV

ClinVar aggregate classification (germline): Uncertain significance (1 of 4 stars; one submission).

Submission:

Labcorp Genetics (formerly Invitae), Labcorp
Classification: Uncertain significance. Last evaluated: 2022-05-14. Review status: criteria provided, single submitter. Criteria: Invitae Variant Classification Sherloc (09022015). Collection method: clinical testing. Allele origin: germline.
Comment: This missense change has been observed in individual(s) with West syndrome (PMID: 29667327). Algorithms developed to predict the effect of missense changes on protein structure and function are either unavailable or do not agree on the potential impact of this missense change (SIFT: "Deleterious"; PolyPhen-2: "Possibly Damaging"; Align-GVGD: "Class C0"). In summary, the available evidence is currently insufficient to determine the role of this variant in disease. Therefore, it has been classified as a Variant of Uncertain Significance. This sequence change replaces leucine, which is neutral and non-polar, with phenylalanine, which is neutral and non-polar, at codon 1181 of the PLEKHG2 protein (p.Leu1181Phe). This variant is not present in population databases (gnomAD no frequency).

Literature cited by the submitters: PubMed 29667327.